The following is an entry in ClinVar:

NM_005476.7(GNE):c.976G>T (p.Glu326Ter)

Gene: GNE (glucosamine (UDP-N-acetyl)-2-epimerase/N-acetylmannosamine kinase; minus strand). Cytogenetic location: 9p13.3.
Variant type: single nucleotide variant.
Coding change: c.976G>T on transcript NM_005476.7 (MANE Select); coding-DNA position 976, G replaced by T.
Protein change: p.Glu326Ter; replaces glutamic acid 326 with a stop codon.
Molecular consequence: nonsense.
Genome position (GRCh38, 1-based): chr9:36,233,926, C>A on the plus strand (G>T on the coding strand, the complement: GNE is on the minus strand). VCF-style: chr9-36233926-C-A. GRCh37 (hg19) VCF-style: chr9-36233923-C-A.
Other names: c.1069G>T, p.Glu357Ter (NM_001128227.3); c.976G>T, p.Glu326Ter (NM_001190383.3); c.646G>T, p.Glu216Ter (NM_001190384.3); c.799G>T, p.Glu267Ter (NM_001190388.2, NM_001374798.1); c.823G>T, p.Glu275Ter (NM_001374797.1); short protein forms E216*, E267*, E275*, E326*, E357*.
Identifiers: ClinVar variation 3750304 (VCV003750304.2).

ClinVar aggregate classification (germline): Pathogenic (1 of 4 stars; one submission).

Conditions:
Sialuria. Also called: Sialic Acid Storage Disease; SIALURIA, FRENCH TYPE. Identifiers: Orphanet 3166, MedGen C0342853, MONDO:0010028, OMIM 269921.
GNE myopathy (NM). Also called: INCLUSION BODY MYOPATHY 2, AUTOSOMAL RECESSIVE; INCLUSION BODY MYOPATHY, HEREDITARY, AUTOSOMAL RECESSIVE; MYOPATHY, DISTAL, WITH OR WITHOUT RIMMED VACUOLES; IBM 2; Inclusion body myopathy autosomal recessive; Inclusion body myopathy quadriceps sparing. Identifiers: Orphanet 602, MedGen C1853926, MONDO:0011603, OMIM 605820.

Submission:

Labcorp Genetics (formerly Invitae), Labcorp
Classification: Pathogenic for Sialuria; GNE myopathy. Last evaluated: 2024-08-29. Review status: criteria provided, single submitter. Criteria: Invitae Variant Classification Sherloc (09022015). Collection method: clinical testing. Allele origin: germline.
Comment: This sequence change creates a premature translational stop signal (p.Glu357*) in the GNE gene. It is expected to result in an absent or disrupted protein product. Loss-of-function variants in GNE are known to be pathogenic (PMID: 24027297). This variant is not present in population databases (gnomAD no frequency). This variant has not been reported in the literature in individuals affected with GNE-related conditions. For these reasons, this variant has been classified as Pathogenic.

Literature cited by the submitters: PubMed 24027297.